The following is an entry in ClinVar:

NM_006059.4(LAMC3):c.1906C>T (p.Arg636Cys)

Gene: LAMC3 (laminin subunit gamma 3; plus strand). Cytogenetic location: 9q34.12.
Variant type: single nucleotide variant.
Coding change: c.1906C>T on transcript NM_006059.4 (MANE Select); coding-DNA position 1906, C replaced by T.
Protein change: p.Arg636Cys; replaces arginine 636 with cysteine.
Molecular consequence: missense variant.
Genome position (GRCh38, 1-based): chr9:131,052,932, C>T. VCF-style: chr9-131052932-C-T. GRCh37 (hg19) VCF-style: chr9-133928319-C-T.
Other names: c.1906C>T (NM_006059.3); short protein forms R636C.
Identifiers: ClinVar variation 1447081 (VCV001447081.5), dbSNP rs146323626, ClinGen allele CA5287262.

ClinVar aggregate classification (germline): Uncertain significance. Review status: criteria provided, multiple submitters, no conflicts (2 of 4 stars). 2 submissions from 2 submitters: Uncertain significance (2). Last evaluated 2025-08-24.

Conditions:
Inborn genetic diseases. Identifiers: MedGen C0950123, MeSH D030342.

Allele frequency attached by ClinVar (database versions not stated): TOPMed 0.00005; gnomAD 0.00006 and 0.00007; gnomAD exomes 0.00006 and 0.00007; ExAC 0.00008; ESP Exome Variant Server 0.00031; 1000 Genomes Project 0.00060; 1000 Genomes Project 30x 0.00062.
gnomAD v4.1: 95 of 1,613,652 alleles (0.0059%); highest among the groups gnomAD compares: Middle Eastern, 0.016%; no homozygotes.

Submissions (2):

Ambry Genetics
Classification: Uncertain significance for Inborn genetic diseases. Last evaluated: 2025-08-24. Review status: criteria provided, single submitter. Criteria: Ambry Variant Classification Scheme 2023. Collection method: clinical testing. Allele origin: germline.

Labcorp Genetics (formerly Invitae), Labcorp
Classification: Uncertain significance. Last evaluated: 2022-07-11. Review status: criteria provided, single submitter. Criteria: Invitae Variant Classification Sherloc (09022015). Collection method: clinical testing. Allele origin: germline.
Comment: This sequence change replaces arginine, which is basic and polar, with cysteine, which is neutral and slightly polar, at codon 636 of the LAMC3 protein (p.Arg636Cys). This variant is present in population databases (rs146323626, gnomAD 0.03%). This variant has not been reported in the literature in individuals affected with LAMC3-related conditions. ClinVar contains an entry for this variant (Variation ID: 1447081). Algorithms developed to predict the effect of missense changes on protein structure and function output the following: SIFT: "Deleterious"; PolyPhen-2: "Benign"; Align-GVGD: "Class C15". The cysteine amino acid residue is found in multiple mammalian species, which suggests that this missense change does not adversely affect protein function. In summary, the available evidence is currently insufficient to determine the role of this variant in disease. Therefore, it has been classified as a Variant of Uncertain Significance.